The following is an entry in ClinVar:

ClinVar aggregate classification (germline): Uncertain significance. Review status: criteria provided, multiple submitters, no conflicts (2 of 4 stars). 3 submissions from 3 submitters: Uncertain significance (3). Last evaluated 2025-07-30.

Conditions:
BAP1-related tumor predisposition syndrome (TPDS1). Also called: Tumor susceptibility linked to germline BAP1 mutations; COMMON Syndrome; TUMOR PREDISPOSITION SYNDROME 1; BAP1 tumor predisposition syndrome. Identifiers: Orphanet 289539, MedGen C3280492, MONDO:0013692, OMIM 614327.
Hereditary cancer-predisposing syndrome. Also called: Neoplastic Syndromes, Hereditary; Tumor predisposition; Hereditary Cancer Syndrome; Hereditary neoplastic syndrome. Identifiers: Orphanet 140162, MedGen C0027672, MeSH D009386, MONDO:0015356.

gnomAD v4.1: 1 of 1,613,714 alleles (0.000062%); highest among the groups gnomAD compares: Non-Finnish European, 0.000085%; no homozygotes.

Submissions (3):

Labcorp Genetics (formerly Invitae), Labcorp
Classification: Uncertain significance for BAP1-related tumor predisposition syndrome. Last evaluated: 2025-07-30. Review status: criteria provided, single submitter. Criteria: Invitae Variant Classification Sherloc (09022015). Collection method: clinical testing. Allele origin: germline.
Comment: This sequence change replaces isoleucine, which is neutral and non-polar, with methionine, which is neutral and non-polar, at codon 499 of the BAP1 protein (p.Ile499Met). This variant is not present in population databases (gnomAD no frequency). This variant has not been reported in the literature in individuals affected with BAP1-related conditions. ClinVar contains an entry for this variant (Variation ID: 925617). Invitae Evidence Modeling of protein sequence and biophysical properties (such as structural, functional, and spatial information, amino acid conservation, physicochemical variation, residue mobility, and thermodynamic stability) indicates that this missense variant is not expected to disrupt BAP1 protein function with a negative predictive value of 80%. In summary, the available evidence is currently insufficient to determine the role of this variant in disease. Therefore, it has been classified as a Variant of Uncertain Significance.

Color Diagnostics, LLC DBA Color Health
Classification: Uncertain significance for Hereditary cancer-predisposing syndrome. Last evaluated: 2023-12-05. Review status: criteria provided, single submitter. Criteria: ACMG Guidelines, 2015. Collection method: clinical testing. Allele origin: germline.
Comment: This missense variant replaces isoleucine with methionine at codon 499 of the BAP1 protein. Computational prediction suggests that this variant may not impact protein structure and function (internally defined REVEL score threshold <= 0.5, PMID: 27666373). To our knowledge, functional studies have not been reported for this variant. This variant has not been reported in individuals affected with BAP1-related disorders in the literature. This variant has not been identified in the general population by the Genome Aggregation Database (gnomAD). The available evidence is insufficient to determine the role of this variant in disease conclusively. Therefore, this variant is classified as a Variant of Uncertain Significance.

Ambry Genetics
Classification: Uncertain significance for Hereditary cancer-predisposing syndrome. Last evaluated: 2023-08-28. Review status: criteria provided, single submitter. Criteria: Ambry Variant Classification Scheme 2023. Collection method: clinical testing. Allele origin: germline.
Comment: The p.I499M variant (also known as c.1497C>G), located in coding exon 13 of the BAP1 gene, results from a C to G substitution at nucleotide position 1497. The isoleucine at codon 499 is replaced by methionine, an amino acid with highly similar properties. This amino acid position is conserved. In addition, the in silico prediction for this alteration is inconclusive. Since supporting evidence is limited at this time, the clinical significance of this alteration remains unclear.

NM_004656.4(BAP1):c.1497C>G (p.Ile499Met)

Gene: BAP1 (BRCA1 associated deubiquitinase 1; minus strand). Cytogenetic location: 3p21.1.
Variant type: single nucleotide variant.
Coding change: c.1497C>G on transcript NM_004656.4 (MANE Select); coding-DNA position 1497, C replaced by G.
Protein change: p.Ile499Met; replaces isoleucine 499 with methionine.
Molecular consequence: missense variant.
Genome position (GRCh38, 1-based): chr3:52,403,648, G>C on the plus strand (C>G on the coding strand, the complement: BAP1 is on the minus strand). VCF-style: chr3-52403648-G-C. GRCh37 (hg19) VCF-style: chr3-52437664-G-C.
Other names: c.1497C>G (NM_004656.2); short protein forms I499M.
Identifiers: ClinVar variation 925617 (VCV000925617.11), dbSNP rs777417522, ClinGen allele CA353100978.